The following is an entry in ClinVar:

NM_017636.4(TRPM4):c.484A>G (p.Ile162Val)

Gene: TRPM4 (transient receptor potential cation channel subfamily M member 4; plus strand). Cytogenetic location: 19q13.33.
Variant type: single nucleotide variant.
Coding change: c.484A>G on transcript NM_017636.4 (MANE Select); coding-DNA position 484, A replaced by G.
Protein change: p.Ile162Val; replaces isoleucine 162 with valine.
Molecular consequence: missense variant. On other transcripts: 5 prime UTR variant (2), intron variant (2).
Genome position (GRCh38, 1-based): chr19:49,168,295, A>G. VCF-style: chr19-49168295-A-G. GRCh37 (hg19) VCF-style: chr19-49671552-A-G.
Other names: c.484A>G, p.Ile162Val (NM_001195227.2); c.-1070A>G (NM_001321282.2); c.-39A>G (NM_001321283.2); c.268-258A>G (NM_001321281.2); c.-237-258A>G (NM_001321285.2); short protein forms I162V.
Identifiers: ClinVar variation 1491331 (VCV001491331.8), dbSNP rs2122805906, ClinGen allele CA406791010.
Genomic context (GRCh38, chr19:49,168,295, plus strand): 5'-TGCATGTTCCTCGGCGTCTGTGTAGGAGCCTGGATTGTCACTGGGGGTCTGCACACGGGC[A>G]TCGGCCGGCATGTTGGTGTGGCTGTACGGGACCATCAGATGGCCAGCACTGGGGGCACCA-3'
Protein context (NP_060106.2, residues 152-172): WIVTGGLHTG[Ile162Val]GRHVGVAVRD

ClinVar aggregate classification (germline): Uncertain significance (1 of 4 stars; one submission).

Conditions:
Progressive familial heart block type IB (PFHB1B). Identifiers: Orphanet 871, MedGen C1970298, MONDO:0011474, OMIM 604559.

Submission:

Labcorp Genetics (formerly Invitae), Labcorp
Classification: Uncertain significance for Progressive familial heart block type IB. Last evaluated: 2022-11-28. Review status: criteria provided, single submitter. Criteria: Invitae Variant Classification Sherloc (09022015). Collection method: clinical testing. Allele origin: germline.
Comment: This sequence change replaces isoleucine, which is neutral and non-polar, with valine, which is neutral and non-polar, at codon 162 of the TRPM4 protein (p.Ile162Val). This variant is not present in population databases (gnomAD no frequency). This variant has not been reported in the literature in individuals affected with TRPM4-related conditions. ClinVar contains an entry for this variant (Variation ID: 1491331). Algorithms developed to predict the effect of missense changes on protein structure and function (SIFT, PolyPhen-2, Align-GVGD) all suggest that this variant is likely to be tolerated. In summary, the available evidence is currently insufficient to determine the role of this variant in disease. Therefore, it has been classified as a Variant of Uncertain Significance.